The following is an entry in ClinVar:

ClinVar aggregate classification (germline): Uncertain significance. Review status: criteria provided, multiple submitters, no conflicts (2 of 4 stars). 2 submissions from 2 submitters: Uncertain significance (2). Last evaluated 2025-02-05.

Conditions:
Familial adenomatous polyposis 1 (FAP1). Also called: POLYPOSIS, ADENOMATOUS INTESTINAL; FAMILIAL ADENOMATOUS POLYPOSIS 1, ATTENUATED. Identifiers: MedGen C2713442, MONDO:0021056, OMIM 175100. Disease mechanism: loss of function.
Hereditary cancer-predisposing syndrome. Also called: Hereditary neoplastic syndrome; Neoplastic Syndromes, Hereditary; Tumor predisposition; Hereditary Cancer Syndrome. Identifiers: Orphanet 140162, MedGen C0027672, MeSH D009386, MONDO:0015356.

Allele frequency attached by ClinVar (database versions not stated): gnomAD exomes below 0.00001; ExAC 0.00001.

Submissions (2):

Ambry Genetics
Classification: Uncertain significance for Hereditary cancer-predisposing syndrome. Last evaluated: 2025-02-05. Review status: criteria provided, single submitter. Criteria: Ambry Variant Classification Scheme 2023. Collection method: clinical testing. Allele origin: germline.
Comment: The p.Q901P variant (also known as c.2702A>C), located in coding exon 15 of the APC gene, results from an A to C substitution at nucleotide position 2702. The glutamine at codon 901 is replaced by proline, an amino acid with similar properties. This amino acid position is not well conserved in available vertebrate species. In addition, in silico predictors for this gene do not accurately predict pathogenicity. Missense alterations in APC are not a common cause of disease (Spier I et al. Genet Med. 2024 Feb;26(2):100992). Based on the available evidence, the clinical significance of this variant remains unclear.

Labcorp Genetics (formerly Invitae), Labcorp
Classification: Uncertain significance for Familial adenomatous polyposis 1. Last evaluated: 2017-05-16. Review status: criteria provided, single submitter. Criteria: Invitae Variant Classification Sherloc (09022015). Collection method: clinical testing. Allele origin: germline.
Comment: In summary, this variant has uncertain impact on APC function. The available evidence is currently insufficient to determine its role in disease. Therefore, it has been classified as a Variant of Uncertain Significance. Algorithms developed to predict the effect of missense changes on protein structure and function output the following: SIFT: "Deleterious"; PolyPhen-2: "Benign"; Align-GVGD: "Class C0". The proline amino acid residue is found in multiple mammalian species, suggesting that this missense change does not adversely affect protein function. These predictions have not been confirmed by published functional studies and their clinical significance is uncertain. This variant has not been reported in the literature in individuals with an APC-related disease. This variant is present in population databases (rs747095991, ExAC 0.001%). This sequence change replaces glutamine with proline at codon 901 of the APC protein (p.Gln901Pro). The glutamine residue is highly conserved and there is a moderate physicochemical difference between glutamine and proline.

NM_000038.6(APC):c.2702A>C (p.Gln901Pro)

Gene: APC (APC regulator of Wnt signaling pathway; plus strand). Cytogenetic location: 5q22.2.
Variant type: single nucleotide variant.
Coding change: c.2702A>C on transcript NM_000038.6 (MANE Select); coding-DNA position 2702, A replaced by C.
Protein change: p.Gln901Pro; replaces glutamine 901 with proline.
Molecular consequence: missense variant.
Genome position (GRCh38, 1-based): chr5:112,838,296, A>C. VCF-style: chr5-112838296-A-C. GRCh37 (hg19) VCF-style: chr5-112173993-A-C.
Other names: c.2702A>C, p.Gln901Pro (NM_001127510.3, NM_001354895.2); c.2648A>C, p.Gln883Pro (NM_001127511.3); c.2756A>C, p.Gln919Pro (NM_001354896.2); c.2732A>C, p.Gln911Pro (NM_001354897.2); c.2627A>C, p.Gln876Pro (NM_001354898.2); c.2618A>C, p.Gln873Pro (NM_001354899.2); c.2579A>C, p.Gln860Pro (NM_001354900.2); c.2525A>C, p.Gln842Pro (NM_001354901.2); and 5 more; short protein forms Q883P, Q901P, Q741P, Q775P, Q800P, Q842P, Q911P, Q810P.
Identifiers: ClinVar variation 469768 (VCV000469768.13), dbSNP rs747095991, ClinGen allele CA033100.